The following is an entry in ClinVar:

ClinVar aggregate classification (germline): Uncertain significance (1 of 4 stars; one submission).

Submission:

Labcorp Genetics (formerly Invitae), Labcorp
Classification: Uncertain significance. Last evaluated: 2025-11-25. Review status: criteria provided, single submitter. Criteria: Invitae Variant Classification Sherloc (09022015). Collection method: clinical testing. Allele origin: germline.
Comment: This sequence change replaces alanine, which is neutral and non-polar, with threonine, which is neutral and polar, at codon 233 of the GJB3 protein (p.Ala233Thr). This variant is present in population databases (rs763321092, gnomAD 0.007%). This variant has not been reported in the literature in individuals affected with GJB3-related conditions. An algorithm developed to predict the effect of missense changes on protein structure and function outputs the following: PolyPhen-2: "Benign". The threonine amino acid residue is found in multiple mammalian species, which suggests that this missense change does not adversely affect protein function. In summary, the available evidence is currently insufficient to determine the role of this variant in disease. Therefore, it has been classified as a Variant of Uncertain Significance.

NM_024009.3(GJB3):c.697G>A (p.Ala233Thr)

Gene: GJB3 (gap junction protein beta 3; plus strand). Cytogenetic location: 1p34.3.
Variant type: single nucleotide variant.
Coding change: c.697G>A on transcript NM_024009.3 (MANE Select); coding-DNA position 697, G replaced by A.
Protein change: p.Ala233Thr; replaces alanine 233 with threonine.
Molecular consequence: missense variant.
Genome position (GRCh38, 1-based): chr1:34,785,459, G>A. VCF-style: chr1-34785459-G-A. GRCh37 (hg19) VCF-style: chr1-35251060-G-A.
Other names: c.697G>A, p.Ala233Thr (NM_001005752.2); short protein forms A233T.
Identifiers: ClinVar variation 4707108 (VCV004707108.1).